The following is an entry in ClinVar:

ClinVar aggregate classification (germline): Uncertain significance (1 of 4 stars; one submission).

Conditions:
Inborn genetic diseases. Identifiers: MedGen C0950123, MeSH D030342.

Submission:

Ambry Genetics
Classification: Uncertain significance for Inborn genetic diseases. Last evaluated: 2025-06-09. Review status: criteria provided, single submitter. Criteria: Ambry Variant Classification Scheme 2023. Collection method: clinical testing. Allele origin: germline.
Comment: The p.S1634C variant (also known as c.4901C>G), located in coding exon 32 of the ANKRD26 gene, results from a C to G substitution at nucleotide position 4901. The serine at codon 1634 is replaced by cysteine, an amino acid with dissimilar properties. This amino acid position is conserved. In addition, this alteration is predicted to be tolerated by in silico analysis. Based on the available evidence, the clinical significance of this variant remains unclear.

NM_014915.3(ANKRD26):c.4901C>G (p.Ser1634Cys)

Gene: ANKRD26 (ankyrin repeat domain containing 26; minus strand). Cytogenetic location: 10p12.1.
Variant type: single nucleotide variant.
Coding change: c.4901C>G on transcript NM_014915.3 (MANE Select); coding-DNA position 4901, C replaced by G.
Protein change: p.Ser1634Cys; replaces serine 1634 with cysteine.
Molecular consequence: missense variant.
Genome position (GRCh38, 1-based): chr10:27,012,934, G>C on the plus strand (C>G on the coding strand, the complement: ANKRD26 is on the minus strand). VCF-style: chr10-27012934-G-C. GRCh37 (hg19) VCF-style: chr10-27301863-G-C.
Other names: c.4898C>G, p.Ser1633Cys (NM_001256053.2); short protein forms S1633C, S1634C.
Identifiers: ClinVar variation 3915220 (VCV003915220.1).